The following is an entry in ClinVar:

ClinVar aggregate classification (germline): Uncertain significance (1 of 4 stars; one submission).

Conditions:
Dyskeratosis congenita, autosomal dominant 2. Identifiers: MedGen C3151443, MONDO:0013521, OMIM 613989.
Idiopathic Pulmonary Fibrosis. Also called: Idiopathic fibrosing alveolitis, chronic form; idiopathic fibrosing alveolitis. Identifiers: Orphanet 2032, MedGen C1800706, MeSH D054990, MONDO:0800504.

Submission:

Labcorp Genetics (formerly Invitae), Labcorp
Classification: Uncertain significance for Dyskeratosis congenita, autosomal dominant 2; Idiopathic Pulmonary Fibrosis. Last evaluated: 2022-03-01. Review status: criteria provided, single submitter. Criteria: Invitae Variant Classification Sherloc (09022015). Collection method: clinical testing. Allele origin: germline.
Comment: This sequence change replaces valine, which is neutral and non-polar, with methionine, which is neutral and non-polar, at codon 713 of the TERT protein (p.Val713Met). This variant is not present in population databases (gnomAD no frequency). This variant has not been reported in the literature in individuals affected with TERT-related conditions. Advanced modeling of protein sequence and biophysical properties (such as structural, functional, and spatial information, amino acid conservation, physicochemical variation, residue mobility, and thermodynamic stability) performed at Invitae indicates that this missense variant is expected to disrupt TERT protein function. In summary, the available evidence is currently insufficient to determine the role of this variant in disease. Therefore, it has been classified as a Variant of Uncertain Significance.

NM_198253.3(TERT):c.2137G>A (p.Val713Met)

Gene: TERT (telomerase reverse transcriptase; minus strand). Cytogenetic location: 5p15.33.
Variant type: single nucleotide variant.
Coding change: c.2137G>A on transcript NM_198253.3 (MANE Select); coding-DNA position 2137, G replaced by A.
Protein change: p.Val713Met; replaces valine 713 with methionine.
Molecular consequence: missense variant. On other transcripts: non-coding transcript variant (1).
Genome position (GRCh38, 1-based): chr5:1,278,790, C>T on the plus strand (G>A on the coding strand, the complement: TERT is on the minus strand). VCF-style: chr5-1278790-C-T. GRCh37 (hg19) VCF-style: chr5-1278905-C-T.
Other names: c.2137G>A, p.Val713Met (NM_001193376.3, NM_003219.1); short protein forms V713M.
Identifiers: ClinVar variation 2119509 (VCV002119509.4), dbSNP rs2478269537, ClinGen allele CA359079730.